The following is an entry in ClinVar:

NM_000038.6(APC):c.3642C>T (p.Ser1214=)

Gene: APC (APC regulator of Wnt signaling pathway; plus strand). Cytogenetic location: 5q22.2.
Variant type: single nucleotide variant.
Coding change: c.3642C>T on transcript NM_000038.6 (MANE Select); coding-DNA position 3642, C replaced by T.
Protein change: p.Ser1214=; no amino-acid change (serine 1214 retained).
Molecular consequence: synonymous variant.
Genome position (GRCh38, 1-based): chr5:112,839,236, C>T. VCF-style: chr5-112839236-C-T. GRCh37 (hg19) VCF-style: chr5-112174933-C-T.
Other names: c.3642C>T, p.Ser1214= (NM_001127510.3, NM_001354895.2); c.3588C>T, p.Ser1196= (NM_001127511.3); c.3696C>T, p.Ser1232= (NM_001354896.2); c.3672C>T, p.Ser1224= (NM_001354897.2); c.3567C>T, p.Ser1189= (NM_001354898.2); c.3558C>T, p.Ser1186= (NM_001354899.2); c.3519C>T, p.Ser1173= (NM_001354900.2); c.3465C>T, p.Ser1155= (NM_001354901.2); and 5 more.
Identifiers: ClinVar variation 824021 (VCV000824021.4), dbSNP rs1554085201, ClinGen allele CA445963787.

ClinVar aggregate classification (germline): Benign/Likely benign. Review status: criteria provided, multiple submitters, no conflicts (2 of 4 stars). 2 submissions from 2 submitters: Benign (1); Likely benign (1). Last evaluated 2024-03-21.

Conditions:
Hereditary cancer-predisposing syndrome. Also called: Neoplastic Syndromes, Hereditary; Tumor predisposition; Hereditary neoplastic syndrome; Hereditary Cancer Syndrome. Identifiers: Orphanet 140162, MedGen C0027672, MeSH D009386, MONDO:0015356.
Familial adenomatous polyposis 1 (FAP1). Also called: POLYPOSIS, ADENOMATOUS INTESTINAL; FAMILIAL ADENOMATOUS POLYPOSIS 1, ATTENUATED. Identifiers: MedGen C2713442, MONDO:0021056, OMIM 175100. Disease mechanism: loss of function.

Submissions (2):

Myriad Genetics, Inc.
Classification: Benign for Familial adenomatous polyposis 1. Last evaluated: 2024-03-21. Review status: criteria provided, single submitter. Criteria: Myriad Autosomal Dominant, Autosomal Recessive and X-Linked Classification Criteria (2023). Collection method: clinical testing. Allele origin: unknown.
Comment: This variant is considered benign. This variant is a silent/synonymous amino acid change and it is not expected to impact splicing.

Ambry Genetics
Classification: Likely benign for Hereditary cancer-predisposing syndrome. Last evaluated: 2019-10-24. Review status: criteria provided, single submitter. Criteria: Ambry Variant Classification Scheme 2023. Collection method: clinical testing. Allele origin: germline.